The following is an entry in ClinVar:

NM_006118.4(HAX1):c.767C>T (p.Pro256Leu)

Gene: HAX1 (HCLS1 associated protein X-1; plus strand). Cytogenetic location: 1q21.3.
Variant type: single nucleotide variant.
Coding change: c.767C>T on transcript NM_006118.4 (MANE Select); coding-DNA position 767, C replaced by T.
Protein change: p.Pro256Leu; replaces proline 256 with leucine.
Molecular consequence: missense variant.
Genome position (GRCh38, 1-based): chr1:154,275,628, C>T. VCF-style: chr1-154275628-C-T. GRCh37 (hg19) VCF-style: chr1-154248104-C-T.
Other names: c.623C>T, p.Pro208Leu (NM_001018837.2); short protein forms P208L, P256L.
Identifiers: ClinVar variation 4858264 (VCV004858264.1).
Genomic context (GRCh38, chr1:154,275,628, plus strand): 5'-CTAGTCTCTTTCATTTAGCCTATTTACGTGTATGACTTTCTTCCTTAGATCCAGAATCAC[C>T]AAGACCTCCAGCCCTGGATGATGCCTTTTCCATCCTGGACTTATTCCTGGGACGTTGGTT-3'
Protein context (NP_006109.2, residues 246-266): DSSPRGDPES[Pro256Leu]RPPALDDAFS

ClinVar aggregate classification (germline): Uncertain significance (1 of 4 stars; one submission).

Conditions:
Inborn genetic diseases. Identifiers: MedGen C0950123, MeSH D030342.

Submission:

Ambry Genetics
Classification: Uncertain significance for Inborn genetic diseases. Last evaluated: 2026-04-02. Review status: criteria provided, single submitter. Criteria: Ambry Variant Classification Scheme 2023. Collection method: clinical testing. Allele origin: germline.
Comment: The p.P256L variant (also known as c.767C>T), located in coding exon 7 of the HAX1 gene, results from a C to T substitution at nucleotide position 767. The proline at codon 256 is replaced by leucine, an amino acid with similar properties. This amino acid position is conserved. In addition, this alteration is predicted to be tolerated by in silico analysis. Based on the available evidence, the clinical significance of this variant remains unclear.